The following is an entry in ClinVar:

NM_001035.3(RYR2):c.13454T>C (p.Ile4485Thr)

Gene: RYR2 (ryanodine receptor 2; plus strand). Cytogenetic location: 1q43.
Variant type: single nucleotide variant.
Coding change: c.13454T>C on transcript NM_001035.3 (MANE Select); coding-DNA position 13454, T replaced by C.
Protein change: p.Ile4485Thr; replaces isoleucine 4485 with threonine.
Molecular consequence: missense variant.
Genome position (GRCh38, 1-based): chr1:237,788,113, T>C. VCF-style: chr1-237788113-T-C. GRCh37 (hg19) VCF-style: chr1-237951413-T-C.
Other names: short protein forms I4485T.
Identifiers: ClinVar variation 3232384 (VCV003232384.1), dbSNP rs1248315657, ClinGen allele CA345416633.

ClinVar aggregate classification (germline): Uncertain significance (1 of 4 stars; one submission).

Conditions:
Cardiovascular phenotype. Identifiers: MedGen CN230736.

Allele frequency attached by ClinVar (database versions not stated): gnomAD exomes below 0.00001.
gnomAD v4.1: 1 of 1,611,702 alleles (0.000062%); highest among the groups gnomAD compares: Non-Finnish European, 0.000085%; no homozygotes.

Submission:

Ambry Genetics
Classification: Uncertain significance for Cardiovascular phenotype. Last evaluated: 2024-01-03. Review status: criteria provided, single submitter. Criteria: Ambry Variant Classification Scheme 2023. Collection method: clinical testing. Allele origin: germline.
Comment: The p.I4485T variant (also known as c.13454T>C), located in coding exon 92 of the RYR2 gene, results from a T to C substitution at nucleotide position 13454. The isoleucine at codon 4485 is replaced by threonine, an amino acid with similar properties. This amino acid position is well conserved in available vertebrate species. In addition, this alteration is predicted to be tolerated by in silico analysis. Since supporting evidence is limited at this time, the clinical significance of this alteration remains unclear.